The following is an entry in ClinVar:

ClinVar aggregate classification (germline): Uncertain significance (1 of 4 stars; one submission).

Submission:

GeneDx
Classification: Uncertain significance. Last evaluated: 2019-12-13. Review status: criteria provided, single submitter. Criteria: GeneDx Variant Classification Process June 2021. Collection method: clinical testing. Allele origin: germline. Affected: yes.
Comment: Not observed in large population cohorts (Lek et al., 2016); In silico analysis, which includes protein predictors and evolutionary conservation, supports a deleterious effect; Has not been previously published as pathogenic or benign to our knowledge

NM_007327.4(GRIN1):c.2080C>T (p.Arg694Trp)

Gene: GRIN1 (glutamate ionotropic receptor NMDA type subunit 1; plus strand). Cytogenetic location: 9q34.3.
Variant type: single nucleotide variant.
Coding change: c.2080C>T on transcript NM_007327.4 (MANE Select); coding-DNA position 2080, C replaced by T.
Protein change: p.Arg694Trp; replaces arginine 694 with tryptophan.
Molecular consequence: missense variant.
Genome position (GRCh38, 1-based): chr9:137,162,912, C>T. VCF-style: chr9-137162912-C-T. GRCh37 (hg19) VCF-style: chr9-140057364-C-T.
Other names: c.2080C>T, p.Arg694Trp (NM_000832.7, NM_021569.4); c.2143C>T, p.Arg715Trp (NM_001185090.2, NM_001185091.2); short protein forms R694W, R715W.
Identifiers: ClinVar variation 1303688 (VCV001303688.2), dbSNP rs146204733, ClinGen allele CA201687854.